The following is an entry in ClinVar:

NM_024675.4(PALB2):c.3350+4A>C

Gene: PALB2 (partner and localizer of BRCA2; minus strand). Cytogenetic location: 16p12.2.
Variant type: single nucleotide variant.
Coding change: c.3350+4A>C on transcript NM_024675.4 (MANE Select); 4 bases into the intron after coding-DNA position 3350, A replaced by C.
Molecular consequence: intron variant.
Genome position (GRCh38, 1-based): chr16:23,607,860, T>G on the plus strand (A>C on the coding strand, the complement: PALB2 is on the minus strand). VCF-style: chr16-23607860-T-G. GRCh37 (hg19) VCF-style: chr16-23619181-T-G.
Identifiers: ClinVar variation 482036 (VCV000482036.15), dbSNP rs180177136, ClinGen allele CA658658454.

ClinVar aggregate classification (germline): Likely pathogenic. Review status: criteria provided, multiple submitters, no conflicts (2 of 4 stars). 2 submissions from 2 submitters: Likely pathogenic (2). Last evaluated 2026-03-16.

Conditions:
Hereditary cancer-predisposing syndrome. Also called: Tumor predisposition; Hereditary neoplastic syndrome; Neoplastic Syndromes, Hereditary; Hereditary Cancer Syndrome. Identifiers: Orphanet 140162, MedGen C0027672, MeSH D009386, MONDO:0015356.
Familial cancer of breast. Also called: hereditary breast carcinoma; Hereditary breast cancer; BREAST CANCER, FAMILIAL. Identifiers: Orphanet 227535, MedGen C0346153, MONDO:0016419, OMIM 114480. Disease mechanism: loss of function.

Allele frequency attached by ClinVar (database versions not stated): TOPMed 0.00001; gnomAD 0.00001.
gnomAD v4.1: 3 of 1,613,644 alleles (0.00019%); highest among the groups gnomAD compares: African/African-American, 0.0013%; no homozygotes.

Submissions (2):

Ambry Genetics
Classification: Likely pathogenic for Hereditary cancer-predisposing syndrome. Last evaluated: 2026-03-16. Review status: criteria provided, single submitter. Criteria: Ambry Variant Classification Scheme 2023. Collection method: clinical testing. Allele origin: germline.
Comment: The c.3350+4A>C intronic variant results from an A to C substitution 4 nucleotides after coding exon 12 in the PALB2 gene. This nucleotide position is highly conserved in available vertebrate species. Internal RNA studies showed abnormal transcripts in the set of samples tested (Ambry internal data). Other variant(s) impacting the same donor site (c.3350+5G>A) have been shown to have a similar impact on splicing in individual(s) with features consistent with PALB2-related cancer predisposition (Ambry internal data). Based on the majority of available evidence to date, this variant is likely to be pathogenic.

Labcorp Genetics (formerly Invitae), Labcorp
Classification: Likely pathogenic for Familial cancer of breast. Last evaluated: 2025-07-31. Review status: criteria provided, single submitter. Criteria: Invitae Variant Classification Sherloc (09022015). Collection method: clinical testing. Allele origin: germline.
Comment: This sequence change falls in intron 12 of the PALB2 gene. It does not directly change the encoded amino acid sequence of the PALB2 protein. RNA analysis indicates that this variant induces altered splicing and may result in an absent or altered protein product. This variant is not present in population databases (gnomAD no frequency). This variant has not been reported in the literature in individuals affected with PALB2-related conditions. ClinVar contains an entry for this variant (Variation ID: 482036). Variants that disrupt the consensus splice site are a relatively common cause of aberrant splicing (PMID: 17576681, 9536098). Studies have shown that this variant results in skipping of exon 12, and produces a non-functional protein and/or introduces a premature termination codon (PMID: 30890586). This variant disrupts the c.3350+4A nucleotide in the PALB2 gene. Other variant(s) that disrupt this nucleotide have been determined to be pathogenic (PMID: 17200671, 23934222, 26976419, 28828701, 29753700, 32339256). This suggests that this nucleotide is clinically significant, and that variants that disrupt this position are likely to be disease-causing. In summary, the currently available evidence indicates that the variant is pathogenic, but additional data are needed to prove that conclusively. Therefore, this variant has been classified as Likely Pathogenic.

Literature cited by the submitters: PubMed 17200671 (cited by Ambry Genetics and Labcorp Genetics (formerly Invitae), Labcorp); PubMed 28828701 (cited by Ambry Genetics and Labcorp Genetics (formerly Invitae), Labcorp); PubMed 17576681 (cited by Labcorp Genetics (formerly Invitae), Labcorp); PubMed 9536098 (cited by Labcorp Genetics (formerly Invitae), Labcorp); PubMed 30890586 (cited by Labcorp Genetics (formerly Invitae), Labcorp); PubMed 23934222 (cited by Labcorp Genetics (formerly Invitae), Labcorp); PubMed 26976419 (cited by Labcorp Genetics (formerly Invitae), Labcorp); PubMed 29753700 (cited by Labcorp Genetics (formerly Invitae), Labcorp); PubMed 32339256 (cited by Labcorp Genetics (formerly Invitae), Labcorp).